The following is an entry in ClinVar:

NM_017636.4(TRPM4):c.1546G>C (p.Ala516Pro)

Gene: TRPM4 (transient receptor potential cation channel subfamily M member 4; plus strand). Cytogenetic location: 19q13.33.
Variant type: single nucleotide variant.
Coding change: c.1546G>C on transcript NM_017636.4 (MANE Select); coding-DNA position 1546, G replaced by C.
Protein change: p.Ala516Pro; replaces alanine 516 with proline.
Molecular consequence: missense variant. On other transcripts: 5 prime UTR variant (1).
Genome position (GRCh38, 1-based): chr19:49,182,860, G>C. VCF-style: chr19-49182860-G-C. GRCh37 (hg19) VCF-style: chr19-49686117-G-C.
Other names: c.1546G>C, p.Ala516Pro (NM_001195227.2); c.1201G>C, p.Ala401Pro (NM_001321281.2); c.-8G>C (NM_001321282.2); c.1024G>C, p.Ala342Pro (NM_001321283.2); c.484G>C, p.Ala162Pro (NM_001321285.2); short protein forms A342P, A162P, A401P, A516P.
Identifiers: ClinVar variation 2136390 (VCV002136390.4), dbSNP rs774915269, ClinGen allele CA9569222.
Genomic context (GRCh38, chr19:49,182,860, plus strand): 5'-GCGGAGCTCCGGCCCCCTGACGTGGGGCATGTGCTGAGGATGCTGCTGGGGAAGATGTGC[G>C]CGCCGAGGTACCCCTCCGGGGGCGCCTGGGACCCTCACCCAGGCCAGGGCTTCGGGGAGA-3'
Protein context (NP_060106.2, residues 506-526): VLRMLLGKMC[Ala516Pro]PRYPSGGAWD

ClinVar aggregate classification (germline): Uncertain significance (1 of 4 stars; one submission).

Conditions:
Progressive familial heart block type IB (PFHB1B). Identifiers: Orphanet 871, MedGen C1970298, MONDO:0011474, OMIM 604559.

Allele frequency attached by ClinVar (database versions not stated): gnomAD exomes below 0.00001; ExAC 0.00002.
gnomAD v4.1: 7 of 1,610,302 alleles (0.00043%); highest among the groups gnomAD compares: South Asian, 0.0055%; no homozygotes.

Submission:

Labcorp Genetics (formerly Invitae), Labcorp
Classification: Uncertain significance for Progressive familial heart block type IB. Last evaluated: 2022-05-30. Review status: criteria provided, single submitter. Criteria: Invitae Variant Classification Sherloc (09022015). Collection method: clinical testing. Allele origin: germline.
Comment: This sequence change replaces alanine, which is neutral and non-polar, with proline, which is neutral and non-polar, at codon 516 of the TRPM4 protein (p.Ala516Pro). This variant is present in population databases (rs774915269, gnomAD 0.02%). This variant has not been reported in the literature in individuals affected with TRPM4-related conditions. Algorithms developed to predict the effect of missense changes on protein structure and function are either unavailable or do not agree on the potential impact of this missense change (SIFT: "Tolerated"; PolyPhen-2: "Probably Damaging"; Align-GVGD: "Class C0"). In summary, the available evidence is currently insufficient to determine the role of this variant in disease. Therefore, it has been classified as a Variant of Uncertain Significance.